The following is an entry in ClinVar:

16p11.2recurrentdeletion

Genes: TLCD3B (TLC domain containing 3B; minus strand), TMEM219 (transmembrane protein 219; plus strand), YPEL3 (yippee like 3; minus strand), ZG16 (zymogen granule protein 16; plus strand), C16orf92 (chromosome 16 open reading frame 92; plus strand) and 22 more. Cytogenetic location: 16p11.2.
Variant type: Deletion.
Identifiers: ClinVar variation 243052 (VCV000243052.1).

ClinVar aggregate classification (germline): Pathogenic (1 of 4 stars; one submission).

Conditions:
Spondylocostal dysostosis 5 (SCDO5). Also called: SCOLIOSIS, CONGENITAL, WITH OR WITHOUT RIB ANOMALIES. Identifiers: MedGen C4083048, MONDO:0007389, OMIM 122600.

Submission:

Lupski Lab, Baylor-Hopkins CMG, Baylor College of Medicine
Classification: Pathogenic for Spondylocostal dysostosis 5. Last evaluated: 2015-11-15. Review status: criteria provided, single submitter. Criteria: Wu et al. (N Engl J Med. 2015). Collection method: research. Allele origin: germline. Inheritance: Other. Affected: yes. Observed: 17 variant alleles, 17 compound heterozygotes.
Comment: This variant was observed in 17 individuals with vertebral malformations and rib abnormalities. In each case it was found to be in trans with a high-risk TBX6 haplotype, T-C-A (rs2289292, rs3809624, rs3809627).

Literature cited by the submitters: PubMed 23335591.